The following is an entry in ClinVar:

NM_001127221.2(CACNA1A):c.5593T>G (p.Leu1865Val)

Gene: CACNA1A (calcium voltage-gated channel subunit alpha1 A; minus strand). Cytogenetic location: 19p13.13.
Variant type: single nucleotide variant.
Coding change: c.5593T>G on transcript NM_001127221.2 (MANE Plus Clinical); coding-DNA position 5593, T replaced by G.
Protein change: p.Leu1865Val; replaces leucine 1865 with valine.
Molecular consequence: missense variant. On other transcripts: intron variant (4).
Genome position (GRCh38, 1-based): chr19:13,228,734, A>C on the plus strand (T>G on the coding strand, the complement: CACNA1A is on the minus strand). VCF-style: chr19-13228734-A-C. GRCh37 (hg19) VCF-style: chr19-13339548-A-C.
Other names: c.5529-1207T>G (NM_001127222.2); c.5538-1207T>G (NM_001174080.2); c.5547-1207T>G (NM_000068.4, NM_023035.3); short protein forms L1865V.
Identifiers: ClinVar variation 3901358 (VCV003901358.1).

ClinVar aggregate classification (germline): Uncertain significance (1 of 4 stars; one submission).

Submission:

GeneDx
Classification: Uncertain significance. Last evaluated: 2024-12-05. Review status: criteria provided, single submitter. Criteria: GeneDx Variant Classification Process June 2021. Collection method: clinical testing. Allele origin: germline. Affected: yes.
Comment: Not observed at significant frequency in large population cohorts (gnomAD); In silico analysis supports that this missense variant has a deleterious effect on protein structure/function; Has not been previously published as pathogenic or benign to our knowledge